The following is an entry in ClinVar:

ClinVar aggregate classification (germline): Uncertain significance (1 of 4 stars; one submission).

Submission:

GeneDx
Classification: Uncertain significance. Last evaluated: 2024-08-30. Review status: criteria provided, single submitter. Criteria: GeneDx Variant Classification Process June 2021. Collection method: clinical testing. Allele origin: germline. Affected: yes.
Comment: Not observed at significant frequency in large population cohorts (gnomAD); In-frame insertion of 4 amino acids in a non-repeat region; Has not been previously published as pathogenic or benign to our knowledge

NM_006439.5(MAB21L2):c.490_491insCGCTCATCAGGG (p.Arg163_Glu164insAlaLeuIleArg)

Genes: LRBA (LPS responsive beige-like anchor protein; minus strand), MAB21L2 (mab-21 like 2; plus strand). Cytogenetic location: 4q31.3.
Variant type: Insertion.
Coding change: c.490_491insCGCTCATCAGGG on transcript NM_006439.5 (MANE Select); coding-DNA positions 490 to 491, CGCTCATCAGGG inserted.
Protein change: p.Arg163_Glu164insAlaLeuIleArg.
Molecular consequence: inframe insertion. On other transcripts: intron variant (6).
Genome position: GRCh38 VCF-style: chr4-150583511-G-GCATCAGGGCGCT. GRCh37 (hg19) VCF-style: chr4-151504663-G-GCATCAGGGCGCT.
Other names: c.6330+4536_6330+4537insCCCTGATGAGCG (NM_001367550.1, NM_001199282.3, NM_001364905.1 and 1 more transcripts); c.6363+4536_6363+4537insCCCTGATGAGCG (NM_006726.5, NM_001440430.1).
Identifiers: ClinVar variation 504384 (VCV000504384.4), dbSNP rs1554059858, ClinGen allele CA658796471.
Genomic context (GRCh38, chr4:150,583,511, plus strand): 5'-ACAAGTGCAGCTATCGGGATGTGGTCAAGATGATCGCGGACACCAGCGAGGTCAAGTTGC[G>GCATCAGGGCGCT]CATCAGGGAGCGCTATGTGGTGCAAATCACTCCGGCGTTCAAGTGCACCGGGATCTGGCC-3'